The following is an entry in ClinVar:

ClinVar aggregate classification (germline): Uncertain significance (1 of 4 stars; one submission).

Submission:

Dasa
Classification: Uncertain significance. Last evaluated: 2026-02-18. Review status: criteria provided, single submitter. Criteria: DASA Assertion Criteria. Collection method: clinical testing. Allele origin: germline.
Comment: NM_024817.3(THSD4):c.1609G>T (p.Val537Leu) is a missense variant that results in the substitution of valine with leucine. This variant is rare in population databases. Computational prediction algorithms are consistent with a benign effect. The currently available literature and clinical evidence are not sufficient to establish a definitive association between this variant and the reported condition. Therefore, this variant is classified as a variant of uncertain significance.

NM_024817.3(THSD4):c.1609G>T (p.Val537Leu)

Gene: THSD4 (thrombospondin type 1 domain containing 4; plus strand). Cytogenetic location: 15q23.
Variant type: single nucleotide variant.
Coding change: c.1609G>T on transcript NM_024817.3 (MANE Select); coding-DNA position 1609, G replaced by T.
Protein change: p.Val537Leu; replaces valine 537 with leucine.
Molecular consequence: missense variant.
Genome position (GRCh38, 1-based): chr15:71,731,196, G>T. VCF-style: chr15-71731196-G-T. GRCh37 (hg19) VCF-style: chr15-72023535-G-T.
Other names: c.529G>T, p.Val177Leu (NM_001286429.2); c.1609G>T, p.Val537Leu (NM_001394532.1); short protein forms V177L, V537L.
Identifiers: ClinVar variation 4885876 (VCV004885876.2).